The following is an entry in ClinVar:

NM_000112.4(SLC26A2):c.1772del (p.Asn591fs)

Gene: SLC26A2 (solute carrier family 26 member 2; plus strand). Cytogenetic location: 5q32.
Variant type: Deletion.
Coding change: c.1772del on transcript NM_000112.4 (MANE Select); coding-DNA position 1772, one base deleted (A; older notation c.1772delA).
Protein change: p.Asn591fs; shifts the reading frame from asparagine 591.
Molecular consequence: frameshift variant.
Genome position (GRCh38, 1-based): chr5:149,981,365, A deleted; the last of 3 consecutive A bases (chr5:149,981,363-149,981,365); deleting any one gives the same sequence. VCF-style (leftmost placement, unchanged base first): chr5-149981362-TA-T. GRCh37 (hg19) VCF-style: chr5-149360925-TA-T.
Other names: short protein forms N591fs.
Identifiers: ClinVar variation 1452846 (VCV001452846.8), dbSNP rs2113699214, ClinGen allele CA2573139281.

ClinVar aggregate classification (germline): Pathogenic (1 of 4 stars; one submission).

Conditions:
Diastrophic dysplasia (DTD). Also called: Diastrophic dwarfism. Identifiers: Orphanet 628, MedGen C0220726, MONDO:0009107, OMIM 222600.
Atelosteogenesis type II (AO2). Also called: NEONATAL OSSEOUS DYSPLASIA I; Neonatal osseous dysplasia 1; SLC26A2-Related Atelosteogenesis. Identifiers: Orphanet 56304, MedGen C1850554, MONDO:0009727, OMIM 256050.
Multiple epiphyseal dysplasia type 4 (EDM4). Also called: Multiple Epiphyseal Dysplasia, Recessive; MULTIPLE EPIPHYSEAL DYSPLASIA WITH BILAYERED PATELLAE; MULTIPLE EPIPHYSEAL DYSPLASIA WITH CLUBFOOT; MULTIPLE EPIPHYSEAL DYSPLASIA, AUTOSOMAL RECESSIVE; SLC26A2-Related Multiple Epiphyseal Dysplasia. Identifiers: Orphanet 93307, MedGen C1847593, MONDO:0009189, OMIM 226900.
Achondrogenesis, type IB (ACG1B). Also called: Achondrogenesis Type 1B. Identifiers: Orphanet 932, Orphanet 93298, MedGen C0265274, MONDO:0010966, OMIM 600972.

Submission:

Labcorp Genetics (formerly Invitae), Labcorp
Classification: Pathogenic for Atelosteogenesis type II; Multiple epiphyseal dysplasia type 4; Achondrogenesis, type IB; Diastrophic dysplasia. Last evaluated: 2022-11-23. Review status: criteria provided, single submitter. Criteria: Invitae Variant Classification Sherloc (09022015). Collection method: clinical testing. Allele origin: germline.
Comment: This sequence change creates a premature translational stop signal (p.Asn591Thrfs*18) in the SLC26A2 gene. While this is not anticipated to result in nonsense mediated decay, it is expected to disrupt the last 149 amino acid(s) of the SLC26A2 protein. This variant is not present in population databases (gnomAD no frequency). For these reasons, this variant has been classified as Pathogenic. This variant disrupts a region of the SLC26A2 protein in which other variant(s) (p.Glu703Glyfs*9) have been determined to be pathogenic (Invitae). This suggests that this is a clinically significant region of the protein, and that variants that disrupt it are likely to be disease-causing. ClinVar contains an entry for this variant (Variation ID: 1452846). This variant has not been reported in the literature in individuals affected with SLC26A2-related conditions.